The following is an entry in ClinVar:

ClinVar aggregate classification (germline): Uncertain significance (1 of 4 stars; one submission).

Conditions:
Pyruvate dehydrogenase E1-beta deficiency (PDHBD). Identifiers: Orphanet 255138, Orphanet 765, MedGen C3279841, MONDO:0013580, OMIM 614111.

Allele frequency attached by ClinVar (database versions not stated): TOPMed below 0.00001; ExAC 0.00003.
gnomAD v4.1: 9 of 1,611,058 alleles (0.00056%); highest among the groups gnomAD compares: Admixed American, 0.0067%; no homozygotes.

Submission:

Labcorp Genetics (formerly Invitae), Labcorp
Classification: Uncertain significance for Pyruvate dehydrogenase E1-beta deficiency. Last evaluated: 2025-11-24. Review status: criteria provided, single submitter. Criteria: Invitae Variant Classification Sherloc (09022015). Collection method: clinical testing. Allele origin: germline.
Comment: This sequence change replaces alanine, which is neutral and non-polar, with valine, which is neutral and non-polar, at codon 2 of the PDHB protein (p.Ala2Val). The frequency data for this variant in the population databases is considered unreliable, as metrics indicate poor data quality at this position in the gnomAD database. This variant has not been reported in the literature in individuals affected with PDHB-related conditions. ClinVar contains an entry for this variant (Variation ID: 2182753). An algorithm developed to predict the effect of missense changes on protein structure and function (PolyPhen-2) suggests that this variant is likely to be tolerated. In summary, the available evidence is currently insufficient to determine the role of this variant in disease. Therefore, it has been classified as a Variant of Uncertain Significance.

NM_000925.4(PDHB):c.5C>T (p.Ala2Val)

Genes: PDHB (pyruvate dehydrogenase E1 subunit beta; minus strand), LOC129936949 (ATAC-STARR-seq lymphoblastoid active region 20012; plus strand). Cytogenetic location: 3p14.3.
Variant type: single nucleotide variant.
Coding change: c.5C>T on transcript NM_000925.4 (MANE Select); coding-DNA position 5, C replaced by T.
Protein change: p.Ala2Val; replaces alanine 2 with valine.
Molecular consequence: missense variant. On other transcripts: non-coding transcript variant (1).
Genome position (GRCh38, 1-based): chr3:58,433,805, G>A on the plus strand (C>T on the coding strand, the complement: PDHB is on the minus strand). VCF-style: chr3-58433805-G-A. GRCh37 (hg19) VCF-style: chr3-58419532-G-A.
Other names: c.5C>T, p.Ala2Val (NM_001173468.2, NM_001315536.2); short protein forms A2V.
Identifiers: ClinVar variation 2182753 (VCV002182753.3), dbSNP rs753447396, ClinGen allele CA2471713.